The following is an entry in ClinVar:

ClinVar aggregate classification (germline): Pathogenic. Review status: criteria provided, multiple submitters, no conflicts (2 of 4 stars). 3 submissions from 3 submitters: Pathogenic (3). Last evaluated 2023-04-11.

Conditions:
Intellectual disability-microcephaly-strabismus-behavioral abnormalities syndrome. Also called: White-Sutton Syndrome. Identifiers: Orphanet 468678, MedGen C4225351, MONDO:0014606, OMIM 616364.
Neurodevelopmental disorder. Identifiers: MedGen C1535926, MeSH D065886, MONDO:0700092.

Submissions (3):

Genome-Nilou Lab
Classification: Pathogenic for Intellectual disability-microcephaly-strabismus-behavioral abnormalities syndrome. Last evaluated: 2023-04-11. Review status: criteria provided, single submitter. Criteria: ACMG Guidelines, 2015. Collection method: clinical testing. Allele origin: germline. Affected: no.

GeneDx
Classification: Pathogenic. Last evaluated: 2022-12-09. Review status: criteria provided, single submitter. Criteria: GeneDx Variant Classification Process June 2021. Collection method: clinical testing. Allele origin: germline. Affected: yes.
Comment: Nonsense variant predicted to result in protein truncation or nonsense mediated decay in a gene for which loss of function is a known mechanism of disease; Not observed at significant frequency in large population cohorts (gnomAD); Has not been previously published as pathogenic or benign to our knowledge

Laboratory of Molecular Genetics (Pr. Bezieau's lab), CHU de Nantes
Classification: Pathogenic for Neurodevelopmental disorder. Last evaluated: 2020-11-23. Review status: criteria provided, single submitter. Criteria: ACMG Guidelines, 2015. Collection method: clinical testing. Allele origin: germline. Affected: yes.

NM_015100.4(POGZ):c.712C>T (p.Arg238Ter)

Gene: POGZ (pogo transposable element derived with ZNF domain; minus strand). Cytogenetic location: 1q21.3.
Variant type: single nucleotide variant.
Coding change: c.712C>T on transcript NM_015100.4 (MANE Select); coding-DNA position 712, C replaced by T.
Protein change: p.Arg238Ter; replaces arginine 238 with a stop codon.
Molecular consequence: nonsense.
Genome position (GRCh38, 1-based): chr1:151,428,270, G>A on the plus strand (C>T on the coding strand, the complement: POGZ is on the minus strand). VCF-style: chr1-151428270-G-A. GRCh37 (hg19) VCF-style: chr1-151400746-G-A.
Other names: c.712C>T, p.Arg238Ter (NM_001194937.2); c.553C>T, p.Arg185Ter (NM_001194938.2, NM_207171.2); c.427C>T, p.Arg143Ter (NM_145796.4); short protein forms R238*, R185*, R143*.
Identifiers: ClinVar variation 620406 (VCV000620406.4), dbSNP rs1557910873, ClinGen allele CA341977640.